The following is an entry in ClinVar:

ClinVar aggregate classification (germline): Uncertain significance. Review status: criteria provided, multiple submitters, no conflicts (2 of 4 stars). 5 submissions from 5 submitters: Uncertain significance (5). Last evaluated 2025-11-28.

Conditions:
Hypertrichotic osteochondrodysplasia Cantu type. Also called: Cantu Syndrome; Cantú Syndrome. Identifiers: Orphanet 1517, MedGen C0795905, MONDO:0009406, OMIM 239850.
Cardiovascular phenotype. Identifiers: MedGen CN230736.
Dilated cardiomyopathy 1O (CMD1O). Also called: CARDIOMYOPATHY, DILATED, WITH VENTRICULAR TACHYCARDIA. Identifiers: Orphanet 154, MedGen C1837839, MONDO:0012062, OMIM 608569.

Allele frequency attached by ClinVar (database versions not stated): ExAC 0.00001; gnomAD exomes 0.00002 and 0.00003; TOPMed 0.00002.
gnomAD v4.1: 52 of 1,613,518 alleles (0.0032%); highest among the groups gnomAD compares: Non-Finnish European, 0.0038%; no homozygotes.

Submissions (5):

Labcorp Genetics (formerly Invitae), Labcorp
Classification: Uncertain significance for Dilated cardiomyopathy 1O. Last evaluated: 2025-11-28. Review status: criteria provided, single submitter. Criteria: Invitae Variant Classification Sherloc (09022015). Collection method: clinical testing. Allele origin: germline.
Comment: This sequence change replaces proline, which is neutral and non-polar, with leucine, which is neutral and non-polar, at codon 67 of the ABCC9 protein (p.Pro67Leu). This variant is present in population databases (rs766600615, gnomAD 0.004%). This missense change has been observed in individual(s) with dilated cardiomyopathy and/or hypertrophic cardiomyopathy (PMID: 32746448; internal data). ClinVar contains an entry for this variant (Variation ID: 950045). Invitae Evidence Modeling of protein sequence and biophysical properties (such as structural, functional, and spatial information, amino acid conservation, physicochemical variation, residue mobility, and thermodynamic stability) indicates that this missense variant is expected to disrupt ABCC9 protein function with a positive predictive value of 95%. In summary, the available evidence is currently insufficient to determine the role of this variant in disease. Therefore, it has been classified as a Variant of Uncertain Significance.

Ambry Genetics
Classification: Uncertain significance for Cardiovascular phenotype. Last evaluated: 2025-10-20. Review status: criteria provided, single submitter. Criteria: Ambry Variant Classification Scheme 2023. Collection method: clinical testing. Allele origin: germline.
Comment: The p.P67L variant (also known as c.200C>T), located in coding exon 2 of the ABCC9 gene, results from a C to T substitution at nucleotide position 200. The proline at codon 67 is replaced by leucine, an amino acid with similar properties. This variant was reported in individual(s) with features consistent with hypertrophic cardiomyopathy (HCM) and dilated cardiomyopathy (DCM) (Carreon CK et al. Pediatr Dev Pathol, 2020 Aug;23:453-460; Burstein DS et al. Pediatr Res, 2021 May;89:1470-1476). This amino acid position is highly conserved in available vertebrate species. In addition, this alteration is predicted to be deleterious by in silico analysis. Based on the available evidence, the clinical significance of this variant remains unclear.

Mayo Clinic Laboratories, Mayo Clinic
Classification: Uncertain significance. Last evaluated: 2025-04-08. Review status: criteria provided, single submitter. Criteria: ACMG Guidelines, 2015. Collection method: clinical testing. Allele origin: germline. Observed: 1 variant allele.
Comment: PP3_moderate

GeneDx
Classification: Uncertain significance. Last evaluated: 2023-04-17. Review status: criteria provided, single submitter. Criteria: GeneDx Variant Classification Process June 2021. Collection method: clinical testing. Allele origin: germline. Affected: yes.
Comment: Not observed at significant frequency in large population cohorts (gnomAD); In silico analysis supports that this missense variant has a deleterious effect on protein structure/function; This variant is associated with the following publications: (PMID: 32746448)

New York Genome Center
Classification: Uncertain significance for Hypertrichotic osteochondrodysplasia Cantu type. Last evaluated: 2021-02-05. Review status: criteria provided, single submitter. Criteria: NYGC Assertion Criteria 2020. Collection method: clinical testing. Allele origin: germline. Observed: 1 heterozygote. Study: CSER-NYCKidSeq.

Literature cited by the submitters: PubMed 32746448 (cited by 3 submitters); PubMed 32758068 (cited by Ambry Genetics).

NM_020297.4(ABCC9):c.200C>T (p.Pro67Leu)

Gene: ABCC9 (ATP binding cassette subfamily C member 9; minus strand). Cytogenetic location: 12p12.1.
Variant type: single nucleotide variant.
Coding change: c.200C>T on transcript NM_020297.4 (MANE Select); coding-DNA position 200, C replaced by T.
Protein change: p.Pro67Leu; replaces proline 67 with leucine.
Molecular consequence: missense variant. On other transcripts: 5 prime UTR variant (1).
Genome position (GRCh38, 1-based): chr12:21,933,866, G>A on the plus strand (C>T on the coding strand, the complement: ABCC9 is on the minus strand). VCF-style: chr12-21933866-G-A. GRCh37 (hg19) VCF-style: chr12-22086800-G-A.
Other names: p.Pro67Leu; c.200C>T, p.Pro67Leu (NM_001377273.1, NM_005691.4); c.-255C>T (NM_001377274.1); c.200C>T (NM_005691.2); short protein forms P67L.
Identifiers: ClinVar variation 950045 (VCV000950045.12), dbSNP rs766600615, ClinGen allele CA6481928.